The following is an entry in ClinVar:

ClinVar aggregate classification (germline): Likely benign. Review status: criteria provided, multiple submitters, no conflicts (2 of 4 stars). 2 submissions from 2 submitters: Likely benign (2). Last evaluated 2018-06-18.

Allele frequency attached by ClinVar (database versions not stated): gnomAD 0.00921 and 0.00987; TOPMed 0.01043; 1000 Genomes Project 0.01138; 1000 Genomes Project 30x 0.01218.
gnomAD v4.1: 2,287 of 963,108 alleles (0.24%); highest among the groups gnomAD compares: African/African-American, 3.1%; 31 homozygotes.

Submissions (2):

GeneDx
Classification: Likely benign. Last evaluated: 2018-06-18. Review status: criteria provided, single submitter. Criteria: GeneDx Variant Classification (06012015). Collection method: clinical testing. Allele origin: germline. Affected: yes.
Comment: This variant is considered likely benign or benign based on one or more of the following criteria: it is a conservative change, it occurs at a poorly conserved position in the protein, it is predicted to be benign by multiple in silico algorithms, and/or has population frequency not consistent with disease.

Breakthrough Genomics
Classification: Likely benign. Review status: criteria provided, single submitter. Criteria: ACMG Guidelines, 2015. Collection method: not provided. Allele origin: germline. Inheritance: Autosomal dominant inheritance. Affected: yes.

NM_000069.3(CACNA1S):c.2551-76C>T

Gene: CACNA1S (calcium voltage-gated channel subunit alpha1 S; minus strand). Cytogenetic location: 1q32.1.
Variant type: single nucleotide variant.
Coding change: c.2551-76C>T on transcript NM_000069.3 (MANE Select); 76 bases into the intron before coding-DNA position 2551, C replaced by T.
Molecular consequence: intron variant.
Genome position (GRCh38, 1-based): chr1:201,067,069, G>A on the plus strand (C>T on the coding strand, the complement: CACNA1S is on the minus strand). VCF-style: chr1-201067069-G-A. GRCh37 (hg19) VCF-style: chr1-201036197-G-A.
Identifiers: ClinVar variation 678383 (VCV000678383.2), dbSNP rs77305310, ClinGen allele CA35971604.